The following is an entry in ClinVar:

NM_004168.4(SDHA):c.324dup (p.Ala109fs)

Gene: SDHA (succinate dehydrogenase complex flavoprotein subunit A; plus strand). Cytogenetic location: 5p15.33.
Variant type: Duplication.
Coding change: c.324dup on transcript NM_004168.4 (MANE Select); coding-DNA position 324, one base duplicated (T; older notation c.324dupT).
Protein change: p.Ala109fs; shifts the reading frame from alanine 109.
Molecular consequence: frameshift variant. On other transcripts: intron variant (1).
Genome position (GRCh38, 1-based): chr5:225,430, T duplicated. VCF-style (leftmost placement, unchanged base first): chr5-225429-A-AT. GRCh37 (hg19) VCF-style: chr5-225544-A-AT.
Other names: c.324dup, p.Ala109fs (NM_001330758.2); c.313-453dup (NM_001294332.2); short protein forms A109fs.
Identifiers: ClinVar variation 2442324 (VCV002442324.1), dbSNP rs2477294151, ClinGen allele CA2580073095.

ClinVar aggregate classification (germline): Pathogenic (1 of 4 stars; one submission).

Conditions:
Pheochromocytoma/paraganglioma syndrome 5. Also called: Paragangliomas 5; SDHA-Related Hereditary Paraganglioma-Pheochromocytoma Syndrome. Identifiers: Orphanet 29072, MedGen C3279992, MONDO:0013602, OMIM 614165.

Submission:

Myriad Genetics, Inc.
Classification: Pathogenic for Pheochromocytoma/paraganglioma syndrome 5. Last evaluated: 2023-01-19. Review status: criteria provided, single submitter. Criteria: Myriad Autosomal Dominant, Autosomal Recessive and X-Linked Classification Criteria (2023). Collection method: clinical testing. Allele origin: unknown.
Comment: This variant is considered pathogenic. This variant creates a frameshift predicted to result in premature protein truncation.